The following is an entry in ClinVar:

NM_000297.4(PKD2):c.1158T>G (p.Tyr386Ter)

Gene: PKD2 (polycystin 2, transient receptor potential cation channel; plus strand). Cytogenetic location: 4q22.1.
Variant type: single nucleotide variant.
Coding change: c.1158T>G on transcript NM_000297.4 (MANE Select); coding-DNA position 1158, T replaced by G.
Protein change: p.Tyr386Ter; replaces tyrosine 386 with a stop codon.
Molecular consequence: nonsense. On other transcripts: non-coding transcript variant (1).
Genome position (GRCh38, 1-based): chr4:88,043,296, T>G. VCF-style: chr4-88043296-T-G. GRCh37 (hg19) VCF-style: chr4-88964448-T-G.
Other names: short protein forms Y386*.
Identifiers: ClinVar variation 1256459 (VCV001256459.1), dbSNP rs571950456, ClinGen allele CA357615528.
Genomic context (GRCh38, chr4:88,043,296, plus strand): 5'-GATCTACACAAGTGAAAAAGACTTGAATGGTAGTAGCCACTGGGGAATCATTGCAACTTA[T>G]AGTGGAGCTGGCTATTATCTGGATTTGTCAAGAACAAGAGAGGAAACAGCTGCACAAGTT-3'

ClinVar aggregate classification (germline): Pathogenic (1 of 4 stars; one submission).

Submission:

Athena Diagnostics
Classification: Pathogenic. Last evaluated: 2020-11-24. Review status: criteria provided, single submitter. Criteria: Athena Diagnostics criteria. Collection method: clinical testing. Allele origin: unknown.
Comment: This variant is expected to result in the loss of a functional protein. This variant has not been reported in large, multi-ethnic general populations. This variant has been identified in at least one individual with clinical features associated with this gene.

Literature cited by the submitters: PubMed 29338003.